The following is an entry in ClinVar:

NM_001376.5(DYNC1H1):c.1462-3T>C

Gene: DYNC1H1 (dynein cytoplasmic 1 heavy chain 1; plus strand). Cytogenetic location: 14q32.31.
Variant type: single nucleotide variant.
Coding change: c.1462-3T>C on transcript NM_001376.5 (MANE Select); 3 bases into the intron before coding-DNA position 1462, T replaced by C.
Molecular consequence: intron variant.
Genome position (GRCh38, 1-based): chr14:101,985,684, T>C. VCF-style: chr14-101985684-T-C. GRCh37 (hg19) VCF-style: chr14-102452021-T-C.
Identifiers: ClinVar variation 1773176 (VCV001773176.2), dbSNP rs769243413, ClinGen allele CA7351708.
Genomic context (GRCh38, chr14:101,985,684, plus strand): 5'-TAAAATAAATTTTAAAGCCTTCGTTTGGTCAGCATTTCTTGATTACATATCTTTCTCCTT[T>C]AGGTCACGGCAGTTGCACAACAGAATCAAGGAGAGGTCCCTGAACCCCAAGATATGAAAG-3'

ClinVar aggregate classification (germline): Uncertain significance (1 of 4 stars; one submission).

Conditions:
Inborn genetic diseases. Identifiers: MedGen C0950123, MeSH D030342.

Allele frequency attached by ClinVar (database versions not stated): gnomAD exomes below 0.00001; ExAC 0.00001.
gnomAD v4.1: 2 of 1,614,114 alleles (0.00012%); highest among the groups gnomAD compares: South Asian, 0.0022%; no homozygotes.

Submission:

Ambry Genetics
Classification: Uncertain significance for Inborn genetic diseases. Last evaluated: 2019-11-11. Review status: criteria provided, single submitter. Criteria: Ambry Variant Classification Scheme 2023. Collection method: clinical testing. Allele origin: germline.
Comment: The c.1462-3T>C intronic variant results from a T to C substitution 3 nucleotides upstream from coding exon 8 in the DYNC1H1 gene. This nucleotide position is not well conserved in available vertebrate species. Using the BDGP and ESEfinder splice site prediction tools, this alteration is not predicted to have any significant effect on this splice acceptor site; however, direct evidence is unavailable. Since supporting evidence is limited at this time, the clinical significance of this alteration remains unclear.